The following is an entry in ClinVar:

ClinVar aggregate classification (germline): Pathogenic. Review status: criteria provided, multiple submitters, no conflicts (2 of 4 stars). 2 submissions from 2 submitters: Pathogenic (2). Last evaluated 2025-12-27.

Conditions:
ALG1-congenital disorder of glycosylation. Also called: CONGENITAL DISORDER OF GLYCOSYLATION, TYPE Ik; CDG Ik; ALG1-CDG. Identifiers: Orphanet 79327, MedGen C2931005, MONDO:0012052, OMIM 608540.

Submissions (2):

Labcorp Genetics (formerly Invitae), Labcorp
Classification: Pathogenic for ALG1-congenital disorder of glycosylation. Last evaluated: 2025-12-27. Review status: criteria provided, single submitter. Criteria: Invitae Variant Classification Sherloc (09022015). Collection method: clinical testing. Allele origin: germline.
Comment: This sequence change affects a donor splice site in intron 11 of the ALG1 gene. It is expected to disrupt RNA splicing. Variants that disrupt the donor or acceptor splice site typically lead to a loss of protein function (PMID: 16199547), and loss-of-function variants in ALG1 are known to be pathogenic (PMID: 20679665, 23806237). This variant is present in population databases (rs796988078, gnomAD 0.02%). Disruption of this splice site has been observed in individuals with clinical features of congenital disorder of glycosylation type 1 (PMID: 23806237, 32064623). ClinVar contains an entry for this variant (Variation ID: 3580793). Algorithms developed to predict the effect of sequence changes on RNA splicing suggest that this variant may disrupt the consensus splice site. For these reasons, this variant has been classified as Pathogenic.

Fulgent Genetics
Classification: Pathogenic for ALG1-congenital disorder of glycosylation. Last evaluated: 2024-01-24. Review status: criteria provided, single submitter. Criteria: ACMG Guidelines, 2015. Collection method: clinical testing. Allele origin: germline.

Literature cited by the submitters: PubMed 16199547 (cited by Labcorp Genetics (formerly Invitae), Labcorp); PubMed 20679665 (cited by Labcorp Genetics (formerly Invitae), Labcorp); PubMed 23806237 (cited by Labcorp Genetics (formerly Invitae), Labcorp); PubMed 32064623 (cited by Labcorp Genetics (formerly Invitae), Labcorp).

NM_019109.5(ALG1):c.1187+2T>C

Gene: ALG1 (ALG1 chitobiosyldiphosphodolichol beta-mannosyltransferase; plus strand). Cytogenetic location: 16p13.3.
Variant type: single nucleotide variant.
Coding change: c.1187+2T>C on transcript NM_019109.5 (MANE Select); the canonical splice donor site of the intron after coding-DNA position 1187, T replaced by C.
Molecular consequence: splice donor variant.
Genome position (GRCh38, 1-based): chr16:5,082,675, T>C. VCF-style: chr16-5082675-T-C. GRCh37 (hg19) VCF-style: chr16-5132676-T-C.
Other names: c.854+2T>C (NM_001330504.2).
Identifiers: ClinVar variation 3580793 (VCV003580793.3).